The following is an entry in ClinVar:

ClinVar aggregate classification (germline): Uncertain significance. Review status: criteria provided, multiple submitters, no conflicts (2 of 4 stars). 2 submissions from 2 submitters: Uncertain significance (2). Last evaluated 2025-09-20.

Conditions:
Ataxia-telangiectasia-like disorder (ATLD). Identifiers: MedGen C1858391, MONDO:0011457.
Hereditary cancer-predisposing syndrome. Also called: Hereditary neoplastic syndrome; Neoplastic Syndromes, Hereditary; Tumor predisposition; Hereditary Cancer Syndrome. Identifiers: Orphanet 140162, MedGen C0027672, MeSH D009386, MONDO:0015356.

Allele frequency attached by ClinVar (database versions not stated): gnomAD exomes below 0.00001 and 0.00001; ExAC 0.00001; gnomAD 0.00001.
gnomAD v4.1: 7 of 1,612,162 alleles (0.00043%); highest among the groups gnomAD compares: South Asian, 0.0066%; no homozygotes.

Submissions (2):

Ambry Genetics
Classification: Uncertain significance for Hereditary cancer-predisposing syndrome. Last evaluated: 2025-09-20. Review status: criteria provided, single submitter. Criteria: Ambry Variant Classification Scheme 2023. Collection method: clinical testing. Allele origin: germline.
Comment: The p.V280L variant (also known as c.838G>C), located in coding exon 7 of the MRE11A gene, results from a G to C substitution at nucleotide position 838. The valine at codon 280 is replaced by leucine, an amino acid with highly similar properties. This amino acid position is conserved. In addition, this alteration is predicted to be tolerated by in silico analysis. Based on the available evidence, the clinical significance of this variant remains unclear.

Labcorp Genetics (formerly Invitae), Labcorp
Classification: Uncertain significance for Ataxia-telangiectasia-like disorder. Last evaluated: 2021-11-23. Review status: criteria provided, single submitter. Criteria: Invitae Variant Classification Sherloc (09022015). Collection method: clinical testing. Allele origin: germline.
Comment: This sequence change replaces valine, which is neutral and non-polar, with leucine, which is neutral and non-polar, at codon 280 of the MRE11 protein (p.Val280Leu). This variant is present in population databases (rs755762623, gnomAD 0.01%). This variant has not been reported in the literature in individuals affected with MRE11-related conditions. Algorithms developed to predict the effect of missense changes on protein structure and function (SIFT, PolyPhen-2, Align-GVGD) all suggest that this variant is likely to be tolerated. In summary, the available evidence is currently insufficient to determine the role of this variant in disease. Therefore, it has been classified as a Variant of Uncertain Significance.

NM_005591.4(MRE11):c.838G>C (p.Val280Leu)

Gene: MRE11 (MRE11 double strand break repair nuclease; minus strand). Cytogenetic location: 11q21.
Variant type: single nucleotide variant.
Coding change: c.838G>C on transcript NM_005591.4 (MANE Select); coding-DNA position 838, G replaced by C.
Protein change: p.Val280Leu; replaces valine 280 with leucine.
Molecular consequence: missense variant.
Genome position (GRCh38, 1-based): chr11:94,471,581, C>G on the plus strand (G>C on the coding strand, the complement: MRE11 is on the minus strand). VCF-style: chr11-94471581-C-G. GRCh37 (hg19) VCF-style: chr11-94204747-C-G.
Other names: c.838G>C, p.Val280Leu (NM_001330347.2, NM_005590.4); c.838G>C (NM_005591.3); short protein forms V280L.
Identifiers: ClinVar variation 1681604 (VCV001681604.4), dbSNP rs755762623, ClinGen allele CA6235299.